The following is an entry in ClinVar:

NM_000037.4(ANK1):c.315C>T (p.Asn105=)

Gene: ANK1 (ankyrin 1; minus strand). Cytogenetic location: 8p11.21.
Variant type: single nucleotide variant.
Coding change: c.315C>T on transcript NM_000037.4 (MANE Select); coding-DNA position 315, C replaced by T.
Protein change: p.Asn105=; no amino-acid change (asparagine 105 retained).
Molecular consequence: synonymous variant.
Genome position (GRCh38, 1-based): chr8:41,727,920, G>A on the plus strand (C>T on the coding strand, the complement: ANK1 is on the minus strand). VCF-style: chr8-41727920-G-A. GRCh37 (hg19) VCF-style: chr8-41585438-G-A.
Other names: p.Asn105=; c.414C>T, p.Asn138= (NM_001142446.2); c.315C>T, p.Asn105= (NM_020475.3, NM_020476.3, NM_020477.3).
Identifiers: ClinVar variation 261304 (VCV000261304.34), dbSNP rs2304871, ClinGen allele CA4729024.

ClinVar aggregate classification (germline): Benign/Likely benign. Review status: criteria provided, multiple submitters, no conflicts (2 of 4 stars). 12 submissions from 11 submitters: Benign (10); Likely benign (1). 1 of the submissions does not count toward it. Last evaluated 2026-02-03.

Conditions:
Spherocytosis. Identifiers: MedGen C0553720, HP:0004444.
Hereditary spherocytosis type 1. Also called: Spherocytosis type 1; ANK1-Related Spherocytosis. Identifiers: Orphanet 822, MedGen C2674218, MONDO:0008447, OMIM 182900.

Allele frequency attached by ClinVar (database versions not stated): 1000 Genomes Project 30x 0.22783; 1000 Genomes Project 0.22843; gnomAD 0.23757 and 0.23903; TOPMed 0.23773; gnomAD exomes 0.24115 and 0.26739; ExAC 0.24433; ESP Exome Variant Server 0.24965.
gnomAD v4.1: 427,373 of 1,613,572 alleles (26%); highest among the groups gnomAD compares: Middle Eastern, 38%; 58,122 homozygotes.

Submissions (12):

Labcorp Genetics (formerly Invitae), Labcorp
Classification: Benign. Last evaluated: 2026-02-03. Review status: criteria provided, single submitter. Criteria: Invitae Variant Classification Sherloc (09022015). Collection method: clinical testing. Allele origin: germline.

ARUP Laboratories, Molecular Genetics and Genomics, ARUP Laboratories
Classification: Benign for Hereditary spherocytosis type 1. Last evaluated: 2025-07-31. Review status: criteria provided, single submitter. Criteria: ARUP Molecular Germline Variant Investigation Process 2024. Collection method: clinical testing. Allele origin: germline.

Blueprint Genetics
Classification: Likely benign. Last evaluated: 2024-11-27. Review status: criteria provided, single submitter. Criteria: ACMG Guidelines, 2015. Collection method: clinical testing. Allele origin: germline.

Genome-Nilou Lab
Classification: Benign for Hereditary spherocytosis type 1. Last evaluated: 2021-07-14. Review status: criteria provided, single submitter. Criteria: ACMG Guidelines, 2015. Collection method: clinical testing. Allele origin: germline. Affected: no.

GeneDx
Classification: Benign. Last evaluated: 2018-11-10. Review status: criteria provided, single submitter. Criteria: GeneDx Variant Classification Process June 2021. Collection method: clinical testing. Allele origin: germline. Affected: yes.

Illumina Laboratory Services, Illumina
Classification: Benign for Hereditary spherocytosis type 1. Last evaluated: 2018-01-13. Review status: criteria provided, single submitter. Criteria: ICSL Variant Classification Criteria 13 December 2019. Collection method: clinical testing. Allele origin: germline.
Comment: This variant was observed in the ICSL laboratory as part of a predisposition screen in an ostensibly healthy population. It had not been previously curated by ICSL or reported in the Human Gene Mutation Database (HGMD: prior to June 1st, 2018), and was therefore a candidate for classification through an automated scoring system. Utilizing variant allele frequency, disease prevalence and penetrance estimates, and inheritance mode, an automated score was calculated to assess if this variant is too frequent to cause the disease. Based on the score and internal cut-off values, a variant classified as benign is not then subjected to further curation. The score for this variant resulted in a classification of benign for this disease.

Illumina Laboratory Services, Illumina
Classification: Benign for Spherocytosis. Last evaluated: 2018-01-13. Review status: criteria provided, single submitter. Criteria: ICSL Variant Classification Criteria 13 December 2019. Collection method: clinical testing. Allele origin: germline.
Comment: the same text as in the submission from Illumina Laboratory Services, Illumina above.

Genome Diagnostics Laboratory, University Medical Center Utrecht
Classification: Benign for Hereditary spherocytosis type 1. Last evaluated: 2017-07-28. Review status: criteria provided, single submitter. Criteria: ACGS Guidelines, 2013. Collection method: clinical testing. Allele origin: germline. Affected: yes. Study: VKGL Data-share Consensus.

Mayo Clinic Laboratories, Mayo Clinic
Classification: Benign. Last evaluated: 2016-04-16. Review status: criteria provided, single submitter. Criteria: ACMG Guidelines, 2015. Collection method: clinical testing. Allele origin: germline. Observed: 1,078 variant alleles.

Breakthrough Genomics
Classification: Benign. Review status: criteria provided, single submitter. Criteria: ACMG Guidelines, 2015. Collection method: not provided. Allele origin: germline. Inheritance: Autosomal dominant inheritance. Affected: yes.

PreventionGenetics, part of Exact Sciences
Classification: Benign. Review status: criteria provided, single submitter. Criteria: ACMG Guidelines, 2015. Collection method: clinical testing. Allele origin: germline.

Diagnostic Laboratory, Department of Genetics, University Medical Center Groningen
Classification: Benign for Hereditary spherocytosis type 1. Review status: no assertion criteria provided. Collection method: clinical testing. Allele origin: germline. Affected: yes. Study: VKGL Data-share Consensus. Not counted in ClinVar's aggregate classification.